The following is an entry in ClinVar:

ClinVar aggregate classification (germline): Uncertain significance. Review status: criteria provided, multiple submitters, no conflicts (2 of 4 stars). 3 submissions from 3 submitters: Uncertain significance (2). 1 of the submissions does not count toward it. Last evaluated 2025-02-13.

Conditions:
Bardet-Biedl syndrome (BBS). Identifiers: Orphanet 110, MedGen C0752166, MONDO:0015229.
BBS4-related disorder. Also called: BBS4-related condition.

Allele frequency attached by ClinVar (database versions not stated): gnomAD exomes 0.00001 and 0.00004; ExAC 0.00004; gnomAD 0.00013 and 0.00016; TOPMed 0.00015; ESP Exome Variant Server 0.00023.
gnomAD v4.1: 36 of 1,614,030 alleles (0.0022%); highest among the groups gnomAD compares: African/African-American, 0.041%; no homozygotes.

Submissions (3):

Women's Health and Genetics/Laboratory Corporation of America, LabCorp
Classification: Uncertain significance. Last evaluated: 2025-02-13. Review status: criteria provided, single submitter. Criteria: LabCorp Variant Classification Summary - May 2015. Collection method: clinical testing. Allele origin: germline.

Labcorp Genetics (formerly Invitae), Labcorp
Classification: Uncertain significance for Bardet-Biedl syndrome. Last evaluated: 2022-05-11. Review status: criteria provided, single submitter. Criteria: Invitae Variant Classification Sherloc (09022015). Collection method: clinical testing. Allele origin: germline.
Comment: This sequence change falls in intron 12 of the BBS4 gene. It does not directly change the encoded amino acid sequence of the BBS4 protein. It affects a nucleotide within the consensus splice site. This variant is present in population databases (rs374383864, gnomAD 0.05%). This variant has not been reported in the literature in individuals affected with BBS4-related conditions. ClinVar contains an entry for this variant (Variation ID: 1039415). Variants that disrupt the consensus splice site are a relatively common cause of aberrant splicing (PMID: 17576681, 9536098). Algorithms developed to predict the effect of sequence changes on RNA splicing suggest that this variant is not likely to affect RNA splicing. In summary, the available evidence is currently insufficient to determine the role of this variant in disease. Therefore, it has been classified as a Variant of Uncertain Significance.

PreventionGenetics, part of Exact Sciences
Classification: Likely benign for BBS4-related condition. Last evaluated: 2022-03-24. Review status: no assertion criteria provided. Collection method: clinical testing. Allele origin: germline. Not counted in ClinVar's aggregate classification.
Comment: This variant is classified as likely benign based on ACMG/AMP sequence variant interpretation guidelines (Richards et al. 2015 PMID: 25741868, with internal and published modifications).

Literature cited by the submitters: PubMed 17576681 (cited by Labcorp Genetics (formerly Invitae), Labcorp); PubMed 9536098 (cited by Labcorp Genetics (formerly Invitae), Labcorp).

NM_033028.5(BBS4):c.1036+6A>G

Gene: BBS4 (Bardet-Biedl syndrome 4; plus strand). Cytogenetic location: 15q24.1.
Variant type: single nucleotide variant.
Coding change: c.1036+6A>G on transcript NM_033028.5 (MANE Select); 6 bases into the intron after coding-DNA position 1036, A replaced by G.
Molecular consequence: intron variant.
Genome position (GRCh38, 1-based): chr15:72,731,732, A>G. VCF-style: chr15-72731732-A-G. GRCh37 (hg19) VCF-style: chr15-73024073-A-G.
Other names: c.967+6A>G (NM_001320665.2); c.520+6A>G (NM_001252678.2); c.1036+6A>G (NM_033028.4).
Identifiers: ClinVar variation 1039415 (VCV001039415.6), dbSNP rs374383864, ClinGen allele CA7646857.